The following is an entry in ClinVar:

ClinVar aggregate classification (germline): Uncertain significance. Review status: criteria provided, multiple submitters, no conflicts (2 of 4 stars). 3 submissions from 3 submitters: Uncertain significance (3). Last evaluated 2025-01-17.

Conditions:
Inborn genetic diseases. Identifiers: MedGen C0950123, MeSH D030342.
Methylcobalamin deficiency type cblE (HMAE). Also called: HOMOCYSTINURIA-MEGALOBLASTIC ANEMIA, cblE COMPLEMENTATION TYPE; VITAMIN B12-RESPONSIVE HOMOCYSTINURIA, cblE TYPE; HOMOCYSTINURIA-MEGALOBLASTIC ANEMIA, cblE TYPE. Identifiers: Orphanet 2169, Orphanet 622, MedGen C1856057, MONDO:0009354, OMIM 236270.
Disorders of Intracellular Cobalamin Metabolism. Identifiers: MedGen CN043592.

Allele frequency attached by ClinVar (database versions not stated): ExAC 0.00004; gnomAD 0.00005 and 0.00006; TOPMed 0.00005; ESP Exome Variant Server 0.00008.
gnomAD v4.1: 66 of 1,613,656 alleles (0.0041%); highest among the groups gnomAD compares: African/African-American, 0.0054%; no homozygotes.

Submissions (3):

Ambry Genetics
Classification: Uncertain significance for Inborn genetic diseases. Last evaluated: 2025-01-17. Review status: criteria provided, single submitter. Criteria: Ambry Variant Classification Scheme 2023. Collection method: clinical testing. Allele origin: germline.

Labcorp Genetics (formerly Invitae), Labcorp
Classification: Uncertain significance for Methylcobalamin deficiency type cblE. Last evaluated: 2022-08-16. Review status: criteria provided, single submitter. Criteria: Invitae Variant Classification Sherloc (09022015). Collection method: clinical testing. Allele origin: germline.
Comment: This sequence change replaces proline, which is neutral and non-polar, with serine, which is neutral and polar, at codon 318 of the MTRR protein (p.Pro318Ser). This variant is present in population databases (rs375421492, gnomAD 0.007%). This variant has not been reported in the literature in individuals affected with MTRR-related conditions. ClinVar contains an entry for this variant (Variation ID: 907943). Algorithms developed to predict the effect of missense changes on protein structure and function are either unavailable or do not agree on the potential impact of this missense change (SIFT: "Tolerated"; PolyPhen-2: "Probably Damaging"; Align-GVGD: "Class C0"). In summary, the available evidence is currently insufficient to determine the role of this variant in disease. Therefore, it has been classified as a Variant of Uncertain Significance.

Illumina Laboratory Services, Illumina
Classification: Uncertain significance for Disorders of Intracellular Cobalamin Metabolism. Last evaluated: 2018-01-12. Review status: criteria provided, single submitter. Criteria: ICSL Variant Classification Criteria 13 December 2019. Collection method: clinical testing. Allele origin: germline.

NM_002454.3(MTRR):c.952C>T (p.Pro318Ser)

Gene: MTRR (5-methyltetrahydrofolate-homocysteine methyltransferase reductase; plus strand). Cytogenetic location: 5p15.31.
Variant type: single nucleotide variant.
Coding change: c.952C>T on transcript NM_002454.3 (MANE Select); coding-DNA position 952, C replaced by T.
Protein change: p.Pro318Ser; replaces proline 318 with serine.
Molecular consequence: missense variant. On other transcripts: non-coding transcript variant (14).
Genome position (GRCh38, 1-based): chr5:7,885,749, C>T. VCF-style: chr5-7885749-C-T. GRCh37 (hg19) VCF-style: chr5-7885862-C-T.
Other names: c.952C>T, p.Pro318Ser (NM_001364440.2, NM_001364441.2, NM_001364442.2 and 1 more transcripts); short protein forms P318S.
Identifiers: ClinVar variation 907943 (VCV000907943.9), dbSNP rs375421492, ClinGen allele CA3195775.
Genomic context (GRCh38, chr5:7,885,749, plus strand): 5'-GCTCTTCTCTAGAATACAGACTTTTCCTATCAGCCTGGAGATGCCTTCAGCGTGATCTGC[C>T]CTAACAGTGATTCTGAGGTACAAAGCCTACTCCAAAGACTGCAGCTTGAAGATAAAAGAG-3'
Protein context (NP_002445.2, residues 308-328): QPGDAFSVIC[Pro318Ser]NSDSEVQSLL